The following is an entry in ClinVar:

ClinVar aggregate classification (germline): Uncertain significance (1 of 4 stars; one submission).

Submission:

GeneDx
Classification: Uncertain significance. Last evaluated: 2025-06-11. Review status: criteria provided, single submitter. Criteria: GeneDx Variant Classification Process June 2021. Collection method: clinical testing. Allele origin: germline. Affected: yes.
Comment: Not observed at significant frequency in large population cohorts (gnomAD); In silico analysis supports that this missense variant has a deleterious effect on protein structure/function; Has not been previously published as pathogenic or benign to our knowledge

NM_001256012.3(MYH10):c.131G>T (p.Gly44Val)

Gene: MYH10 (myosin heavy chain 10; minus strand). Cytogenetic location: 17p13.1.
Variant type: single nucleotide variant.
Coding change: c.131G>T on transcript NM_001256012.3 (MANE Select); coding-DNA position 131, G replaced by T.
Protein change: p.Gly44Val; replaces glycine 44 with valine.
Molecular consequence: missense variant.
Genome position (GRCh38, 1-based): chr17:8,623,116, C>A on the plus strand (G>T on the coding strand, the complement: MYH10 is on the minus strand). VCF-style: chr17-8623116-C-A. GRCh37 (hg19) VCF-style: chr17-8526434-C-A.
Other names: c.131G>T, p.Gly44Val (NM_001256095.2, NM_001375266.1, NM_005964.5); short protein forms G44V.
Identifiers: ClinVar variation 4538154 (VCV004538154.1).